The following is an entry in ClinVar:

NM_001330260.2(SCN8A):c.1541A>G (p.Lys514Arg)

Gene: SCN8A (sodium voltage-gated channel alpha subunit 8; plus strand). Cytogenetic location: 12q13.13.
Variant type: single nucleotide variant.
Coding change: c.1541A>G on transcript NM_001330260.2 (MANE Select); coding-DNA position 1541, A replaced by G.
Protein change: p.Lys514Arg; replaces lysine 514 with arginine.
Molecular consequence: missense variant.
Genome position (GRCh38, 1-based): chr12:51,706,621, A>G. VCF-style: chr12-51706621-A-G. GRCh37 (hg19) VCF-style: chr12-52100405-A-G.
Other names: c.1541A>G, p.Lys514Arg (NM_001177984.3, NM_001369788.1, NM_014191.4); short protein forms K514R.
Identifiers: ClinVar variation 806887 (VCV000806887.49), dbSNP rs1592393860, ClinGen allele CA385229033.

ClinVar aggregate classification (germline): Uncertain significance. Review status: criteria provided, multiple submitters, no conflicts (2 of 4 stars). 2 submissions from 2 submitters: Uncertain significance (2). Last evaluated 2024-03-26.

Conditions:
Early-infantile DEE. Also called: Early infantile epileptic encephalopathy with suppression bursts; Early infantile epileptic encephalopathy; Ohtahara syndrome. Identifiers: Orphanet 1934, MedGen C0393706, MONDO:0800491.

Allele frequency attached by ClinVar (database versions not stated): gnomAD exomes below 0.00001.
gnomAD v4.1: 2 of 1,609,226 alleles (0.00012%); highest among the groups gnomAD compares: Non-Finnish European, 0.00017%; no homozygotes.

Submissions (2):

Labcorp Genetics (formerly Invitae), Labcorp
Classification: Uncertain significance for Early-infantile DEE. Last evaluated: 2024-03-26. Review status: criteria provided, single submitter. Criteria: Invitae Variant Classification Sherloc (09022015). Collection method: clinical testing. Allele origin: germline.
Comment: This sequence change replaces lysine, which is basic and polar, with arginine, which is basic and polar, at codon 514 of the SCN8A protein (p.Lys514Arg). This variant is not present in population databases (gnomAD no frequency). This variant has not been reported in the literature in individuals affected with SCN8A-related conditions. ClinVar contains an entry for this variant (Variation ID: 806887). Advanced modeling of protein sequence and biophysical properties (such as structural, functional, and spatial information, amino acid conservation, physicochemical variation, residue mobility, and thermodynamic stability) performed at Invitae indicates that this missense variant is not expected to disrupt SCN8A protein function with a negative predictive value of 95%. In summary, the available evidence is currently insufficient to determine the role of this variant in disease. Therefore, it has been classified as a Variant of Uncertain Significance.

CeGaT Center for Human Genetics Tuebingen
Classification: Uncertain significance. Last evaluated: 2016-06-01. Review status: criteria provided, single submitter. Criteria: CeGaT Center For Human Genetics Tuebingen Variant Classification Criteria Version 2. Collection method: clinical testing. Allele origin: germline. Affected: yes. Observed: 1 variant allele.